The following is an entry in ClinVar:

ClinVar aggregate classification (germline): Likely pathogenic (0 of 4 stars; one submission).

Conditions:
Heimler syndrome 2 (HMLR2). Also called: PEROXISOME BIOGENESIS DISORDER 4C. Identifiers: Orphanet 3220, MedGen C4225267, OMIM 616617, MONDO:0014709.

Submission:

Institute of Human Genetics, University of Goettingen
Classification: Likely pathogenic for Heimler syndrome 2. Last evaluated: 2018-12-21. Review status: no assertion criteria provided. Collection method: clinical testing. Allele origin: unknown. Inheritance: Autosomal recessive inheritance. Affected: yes. Observed: 1 compound heterozygote.
Comment: Allele was found together with pathogenic variant c.1992G>C [NC_000006.11: g.42934365C>G]

NM_000287.4(PEX6):c.386A>T (p.Glu129Val)

Gene: PEX6 (peroxisomal biogenesis factor 6; minus strand). Cytogenetic location: 6p21.1.
Variant type: single nucleotide variant.
Coding change: c.386A>T on transcript NM_000287.4 (MANE Select); coding-DNA position 386, A replaced by T.
Protein change: p.Glu129Val; replaces glutamic acid 129 with valine.
Molecular consequence: missense variant. On other transcripts: non-coding transcript variant (1).
Genome position (GRCh38, 1-based): chr6:42,978,765, T>A on the plus strand (A>T on the coding strand, the complement: PEX6 is on the minus strand). VCF-style: chr6-42978765-T-A. GRCh37 (hg19) VCF-style: chr6-42946503-T-A.
Other names: c.386A>T, p.Glu129Val (NM_001316313.2); short protein forms E129V.
Identifiers: ClinVar variation 625158 (VCV000625158.3), dbSNP rs1561831003, ClinGen allele CA364166691.
Genomic context (GRCh38, chr6:42,978,765, plus strand): 5'-AGCAGCCCTTGCAACGCCGGCCGCGTCTCCAGCACCCGCGGTCCGGGCACTGGGAGGGTC[T>A]CTCCGCGCCTCACCAGCAGCGGCCCGACTCGCGGTCCGAGCCCAGGCCCCAGCGAGGTGC-3'
Protein context (NP_000278.3, residues 119-139): RVGPLLVRRG[Glu129Val]TLPVPGPRVL